The following is an entry in ClinVar:

ClinVar aggregate classification (germline): Benign/Likely benign. Review status: criteria provided, multiple submitters, no conflicts (2 of 4 stars). 11 submissions from 10 submitters: Benign (6); Likely benign (5). Last evaluated 2026-02-01.

Conditions:
Cardiovascular phenotype. Identifiers: MedGen CN230736.
Hypoalphalipoproteinemia, primary, 1. Identifiers: Orphanet 425, MedGen C5231558, MONDO:0011393, OMIM 604091.
Tangier disease (TGD). Also called: HIGH DENSITY LIPOPROTEIN DEFICIENCY, TANGIER TYPE; HIGH DENSITY LIPOPROTEIN DEFICIENCY, TYPE 1; Cholesterol thesaurismosis. Identifiers: Orphanet 31150, MedGen C0039292, MONDO:0008783, OMIM 205400.

Allele frequency attached by ClinVar (database versions not stated): gnomAD 0.00166 and 0.00198; ESP Exome Variant Server 0.00200; TOPMed 0.00202; gnomAD exomes 0.00278 and 0.00327; 1000 Genomes Project 30x 0.00312; 1000 Genomes Project 0.00339; ExAC 0.00360.
gnomAD v4.1: 4,336 of 1,613,890 alleles (0.27%); highest among the groups gnomAD compares: Middle Eastern, 1%; 25 homozygotes.

Submissions (11):

Labcorp Genetics (formerly Invitae), Labcorp
Classification: Benign. Last evaluated: 2026-02-01. Review status: criteria provided, single submitter. Criteria: Invitae Variant Classification Sherloc (09022015). Collection method: clinical testing. Allele origin: germline.

CeGaT Center for Human Genetics Tuebingen
Classification: Likely benign. Last evaluated: 2026-01-01. Review status: criteria provided, single submitter. Criteria: CeGaT Center For Human Genetics Tuebingen Variant Classification Criteria Version 2. Collection method: clinical testing. Allele origin: germline. Affected: yes. Observed: 3 variant alleles.
Comment: ABCA1: BS2

Mayo Clinic Laboratories, Mayo Clinic
Classification: Benign. Last evaluated: 2025-11-06. Review status: criteria provided, single submitter. Criteria: ACMG Guidelines, 2015. Collection method: clinical testing. Allele origin: germline. Observed: 7 variant alleles.
Comment: BA1, BS2, PP3

Genomic Medicine Center of Excellence, King Faisal Specialist Hospital and Research Centre
Classification: Likely benign. Last evaluated: 2025-08-18. Review status: criteria provided, single submitter. Criteria: ACMG Guidelines, 2015. Collection method: clinical testing. Allele origin: germline.

Blueprint Genetics
Classification: Likely benign. Last evaluated: 2024-11-21. Review status: criteria provided, single submitter. Criteria: ACMG Guidelines, 2015. Collection method: clinical testing. Allele origin: germline.

Women's Health and Genetics/Laboratory Corporation of America, LabCorp
Classification: Likely benign. Last evaluated: 2024-07-27. Review status: criteria provided, single submitter. Criteria: LabCorp Variant Classification Summary - May 2015. Collection method: clinical testing. Allele origin: germline.

Ambry Genetics
Classification: Likely benign for Cardiovascular phenotype. Last evaluated: 2021-02-10. Review status: criteria provided, single submitter. Criteria: Ambry Variant Classification Scheme 2023. Collection method: clinical testing. Allele origin: germline.

GeneDx
Classification: Benign. Last evaluated: 2020-08-10. Review status: criteria provided, single submitter. Criteria: GeneDx Variant Classification Process June 2021. Collection method: clinical testing. Allele origin: germline. Affected: yes.
Comment: This variant is associated with the following publications: (PMID: 30333156, 28870971, 26255038, 16226177, 24497850, 21875686)

Illumina Laboratory Services, Illumina
Classification: Benign for Hypoalphalipoproteinemia, primary, 1. Last evaluated: 2018-03-06. Review status: criteria provided, single submitter. Criteria: ICSL Variant Classification Criteria 13 December 2019. Collection method: clinical testing. Allele origin: germline.
Comment: This variant was observed in the ICSL laboratory as part of a predisposition screen in an ostensibly healthy population. It had not been previously curated by ICSL or reported in the Human Gene Mutation Database (HGMD: prior to June 1st, 2018), and was therefore a candidate for classification through an automated scoring system. Utilizing variant allele frequency, disease prevalence and penetrance estimates, and inheritance mode, an automated score was calculated to assess if this variant is too frequent to cause the disease. Based on the score and internal cut-off values, a variant classified as benign is not then subjected to further curation. The score for this variant resulted in a classification of benign for this disease.

Illumina Laboratory Services, Illumina
Classification: Benign for Tangier disease. Last evaluated: 2018-03-06. Review status: criteria provided, single submitter. Criteria: ICSL Variant Classification Criteria 13 December 2019. Collection method: clinical testing. Allele origin: germline.
Comment: the same text as in the submission from Illumina Laboratory Services, Illumina above.

Breakthrough Genomics
Classification: Benign. Review status: criteria provided, single submitter. Criteria: ACMG Guidelines, 2015. Collection method: not provided. Allele origin: germline. Inheritance: Autosomal recessive inheritance. Affected: yes.

NM_005502.4(ABCA1):c.2328G>C (p.Lys776Asn)

Gene: ABCA1 (ATP binding cassette subfamily A member 1; minus strand). Cytogenetic location: 9q31.1.
Variant type: single nucleotide variant.
Coding change: c.2328G>C on transcript NM_005502.4 (MANE Select); coding-DNA position 2328, G replaced by C.
Protein change: p.Lys776Asn; replaces lysine 776 with asparagine.
Molecular consequence: missense variant.
Genome position (GRCh38, 1-based): chr9:104,826,957, C>G on the plus strand (G>C on the coding strand, the complement: ABCA1 is on the minus strand). VCF-style: chr9-104826957-C-G. GRCh37 (hg19) VCF-style: chr9-107589238-C-G.
Other names: short protein forms K776N.
Identifiers: ClinVar variation 364430 (VCV000364430.42), dbSNP rs138880920, ClinGen allele CA5168762.